The following is an entry in ClinVar:

ClinVar aggregate classification (germline): Pathogenic (1 of 4 stars; one submission).

Conditions:
Ehlers-Danlos syndrome, dermatosparaxis type. Also called: Dermatosparaxis; EDS VIIC; Ehlers-Danlos syndrome, type VII, autosomal recessive. Identifiers: Orphanet 1901, MedGen C2700425, MONDO:0009161, OMIM 225410.

Submission:

Labcorp Genetics (formerly Invitae), Labcorp
Classification: Pathogenic for Ehlers-Danlos syndrome, dermatosparaxis type. Last evaluated: 2021-06-27. Review status: criteria provided, single submitter. Criteria: Invitae Variant Classification Sherloc (09022015). Collection method: clinical testing. Allele origin: germline.
Comment: This sequence change creates a premature translational stop signal (p.Ala505Glyfs*6) in the ADAMTS2 gene. It is expected to result in an absent or disrupted protein product. This variant is not present in population databases (ExAC no frequency). This variant has not been reported in the literature in individuals with ADAMTS2-related conditions. Loss-of-function variants in ADAMTS2 are known to be pathogenic (PMID: 10417273). For these reasons, this variant has been classified as Pathogenic.

Literature cited by the submitters: PubMed 10417273.

NM_014244.5(ADAMTS2):c.1513dup (p.Ala505fs)

Gene: ADAMTS2 (ADAM metallopeptidase with thrombospondin type 1 motif 2; minus strand). Cytogenetic location: 5q35.3.
Variant type: Duplication.
Coding change: c.1513dup on transcript NM_014244.5 (MANE Select); coding-DNA position 1513, one base duplicated (G; older notation c.1513dupG).
Protein change: p.Ala505fs; shifts the reading frame from alanine 505.
Molecular consequence: frameshift variant.
Genome position (GRCh38, 1-based): chr5:179,153,493, C duplicated on the plus strand (G on the coding strand, the reverse complement: ADAMTS2 is on the minus strand); the first of 2 consecutive C bases (chr5:179,153,493-179,153,494); duplicating either gives the same sequence. VCF-style (leftmost placement, unchanged base first): chr5-179153492-G-GC. GRCh37 (hg19) VCF-style: chr5-178580493-G-GC.
Other names: c.1513dup, p.Ala505fs (NM_021599.4); short protein forms A505fs.
Identifiers: ClinVar variation 841489 (VCV000841489.9), dbSNP rs1763406117, ClinGen allele CA916082797.